The following is an entry in ClinVar:

NM_001358530.2(MOCS1):c.518G>C (p.Ser173Thr)

Gene: MOCS1 (molybdenum cofactor synthesis 1; minus strand). Cytogenetic location: 6p21.2.
Variant type: single nucleotide variant.
Coding change: c.518G>C on transcript NM_001358530.2 (MANE Select); coding-DNA position 518, G replaced by C.
Protein change: p.Ser173Thr; replaces serine 173 with threonine.
Molecular consequence: missense variant. On other transcripts: non-coding transcript variant (1).
Genome position (GRCh38, 1-based): chr6:39,916,133, C>G on the plus strand (G>C on the coding strand, the complement: MOCS1 is on the minus strand). VCF-style: chr6-39916133-C-G. GRCh37 (hg19) VCF-style: chr6-39883877-C-G.
Other names: c.518G>C, p.Ser173Thr (NM_001075098.4, NM_001358529.2, NM_005943.6); c.257G>C, p.Ser86Thr (NM_001358531.2, NM_001358533.2, NM_001358534.2); short protein forms S173T, S86T.
Identifiers: ClinVar variation 998497 (VCV000998497.6), dbSNP rs1767645451, ClinGen allele CA364044409.

ClinVar aggregate classification (germline): Uncertain significance (1 of 4 stars; one submission).

Conditions:
Sulfite oxidase deficiency due to molybdenum cofactor deficiency type A. Also called: Molybdenum cofactor deficiency, complementation group A; Molybdenum Cofactor Deficiency A. Identifiers: Orphanet 308386, Orphanet 833, MedGen C1854988, MONDO:0009643, OMIM 252150.

Submission:

Labcorp Genetics (formerly Invitae), Labcorp
Classification: Uncertain significance for Sulfite oxidase deficiency due to molybdenum cofactor deficiency type A. Last evaluated: 2024-10-30. Review status: criteria provided, single submitter. Criteria: Invitae Variant Classification Sherloc (09022015). Collection method: clinical testing. Allele origin: germline.
Comment: This sequence change replaces serine, which is neutral and polar, with threonine, which is neutral and polar, at codon 173 of the MOCS1 protein (p.Ser173Thr). This variant is not present in population databases (gnomAD no frequency). This variant has not been reported in the literature in individuals affected with MOCS1-related conditions. ClinVar contains an entry for this variant (Variation ID: 998497). An algorithm developed to predict the effect of missense changes on protein structure and function outputs the following: PolyPhen-2: "Benign". The threonine amino acid residue is found in multiple mammalian species, which suggests that this missense change does not adversely affect protein function. In summary, the available evidence is currently insufficient to determine the role of this variant in disease. Therefore, it has been classified as a Variant of Uncertain Significance.